The following is an entry in ClinVar:

ClinVar aggregate classification (germline): Uncertain significance (1 of 4 stars; one submission).

Conditions:
Dyskeratosis congenita, autosomal dominant 1 (DKCA1). Also called: Dyskeratosis congenita Scoggins type. Identifiers: Orphanet 1775, MedGen C4551974, MONDO:0007485, OMIM 127550. Inheritance: Variable.

Submission:

Labcorp Genetics (formerly Invitae), Labcorp
Classification: Uncertain significance for Dyskeratosis congenita, autosomal dominant 1. Last evaluated: 2025-01-07. Review status: criteria provided, single submitter. Criteria: Invitae Variant Classification Sherloc (09022015). Collection method: clinical testing. Allele origin: germline.
Comment: This variant occurs in the TERC gene, which encodes an RNA molecule that does not result in a protein product. This variant is not present in population databases (gnomAD no frequency). This variant has not been reported in the literature in individuals affected with TERC-related conditions. This variant is located within the hypervariable region that is not conserved in the TERC RNA component (PMID: 10721988, 21844345). The functional significance of this region is not well understood. In summary, the available evidence is currently insufficient to determine the role of this variant in disease. Therefore, it has been classified as a Variant of Uncertain Significance.

Literature cited by the submitters: PubMed 10721988; PubMed 21844345.

NR_001566.3(TERC):n.248C>T

Genes: TERC (telomerase RNA component; minus strand), LOC110806306 (telomerase RNA component (TERC) promoter; plus strand). Cytogenetic location: 3q26.2.
Variant type: single nucleotide variant.
Molecular consequence: non-coding transcript variant (on NR_001566.3).
Genome position: GRCh38 VCF-style: chr3-169764813-G-A. GRCh37 (hg19) VCF-style: chr3-169482601-G-A.
Identifiers: ClinVar variation 3690763 (VCV003690763.2).
Genomic context (GRCh38, chr3:169,764,813, plus strand): 5'-CAACTCTTCGCGGTGGCAGTGGGTGCCTCCGGAGAAGCCCCGGGCCGACCGCGGCCTCCA[G>A]GCGGGGTTCGGGGGCTGGGCAGGCGACCCGCCGCAGGTCCCCGGGAGGGGCGAACGGGCC-3'